The following is an entry in ClinVar:

ClinVar aggregate classification (germline): Likely benign (1 of 4 stars; one submission).

Conditions:
Macular corneal dystrophy (MCD). Also called: GROENOUW TYPE II CORNEAL DYSTROPHY; Macular corneal dystrophy Type I. Identifiers: Orphanet 98969, MedGen C1636149, MONDO:0009020, OMIM 217800.

Allele frequency attached by ClinVar (database versions not stated): gnomAD 0.00002 and 0.00007; TOPMed 0.00004; 1000 Genomes Project 30x 0.00047; 1000 Genomes Project 0.00060.
gnomAD v4.1: 11 of 152,312 alleles (0.0072%); highest among the groups gnomAD compares: East Asian, 0.21%; no homozygotes.

Submission:

Illumina Laboratory Services, Illumina
Classification: Likely benign for Macular corneal dystrophy. Last evaluated: 2018-01-12. Review status: criteria provided, single submitter. Criteria: ICSL Variant Classification Criteria 13 December 2019. Collection method: clinical testing. Allele origin: germline.
Comment: This variant was observed in the ICSL laboratory as part of a predisposition screen in an ostensibly healthy population. It had not been previously curated by ICSL or reported in the Human Gene Mutation Database (HGMD: prior to June 1st, 2018), and was therefore a candidate for classification through an automated scoring system. Utilizing variant allele frequency, disease prevalence and penetrance estimates, and inheritance mode, an automated score was calculated to assess if this variant is too frequent to cause the disease. Based on the score and internal cut-off values, a variant classified as likely benign is not then subjected to further curation. The score for this variant resulted in a classification of likely benign for this disease.

NM_021615.5(CHST6):c.*1377G>A

Gene: CHST6 (carbohydrate sulfotransferase 6; minus strand). Cytogenetic location: 16q23.1.
Variant type: single nucleotide variant.
Coding change: c.*1377G>A on transcript NM_021615.5 (MANE Select); 1377 bases downstream of the stop codon, G replaced by A.
Molecular consequence: 3 prime UTR variant.
Genome position (GRCh38, 1-based): chr16:75,477,264, C>T on the plus strand (G>A on the coding strand, the complement: CHST6 is on the minus strand). VCF-style: chr16-75477264-C-T. GRCh37 (hg19) VCF-style: chr16-75511162-C-T.
Identifiers: ClinVar variation 320572 (VCV000320572.5), dbSNP rs140231054, ClinGen allele CA10648973.